The following is an entry in ClinVar:

ClinVar aggregate classification (germline): Likely pathogenic (1 of 4 stars; one submission).

Submission:

Labcorp Genetics (formerly Invitae), Labcorp
Classification: Likely pathogenic. Last evaluated: 2023-09-27. Review status: criteria provided, single submitter. Criteria: Invitae Variant Classification Sherloc (09022015). Collection method: clinical testing. Allele origin: germline.
Comment: Algorithms developed to predict the effect of sequence changes on RNA splicing suggest that this variant may disrupt the consensus splice site. This variant is not present in population databases (gnomAD no frequency). This variant has not been reported in the literature in individuals affected with CHM-related conditions. In summary, the currently available evidence indicates that the variant is pathogenic, but additional data are needed to prove that conclusively. Therefore, this variant has been classified as Likely Pathogenic. This sequence change affects an acceptor splice site in intron 13 of the CHM gene. It is expected to disrupt RNA splicing. Variants that disrupt the donor or acceptor splice site typically lead to a loss of protein function (PMID: 16199547), and loss-of-function variants in CHM are known to be pathogenic (PMID: 9067750, 23811034).

Literature cited by the submitters: PubMed 16199547; PubMed 9067750; PubMed 23811034.

NM_000390.4(CHM):c.1610-2A>T

Gene: CHM (CHM Rab escort protein; minus strand). Cytogenetic location: Xq21.2.
Variant type: single nucleotide variant.
Coding change: c.1610-2A>T on transcript NM_000390.4 (MANE Select); the canonical splice acceptor site of the intron before coding-DNA position 1610, A replaced by T.
Molecular consequence: splice acceptor variant.
Genome position (GRCh38, 1-based): chrX:85,873,214, T>A on the plus strand (A>T on the coding strand, the complement: CHM is on the minus strand). VCF-style: chrX-85873214-T-A. GRCh37 (hg19) VCF-style: chrX-85128219-T-A.
Other names: c.1166-2A>T (NM_001362519.1, NM_001362517.1, NM_001320959.1 and 1 more transcripts).
Identifiers: ClinVar variation 2837785 (VCV002837785.3), dbSNP rs2520014897, ClinGen allele CA413787112.
Genomic context (GRCh38, chrX:85,873,214, plus strand): 5'-ATCTCTCATATTGAAGTAAAGAGCCCACAGAATTCTTGGCTTTTCTACTTGTTCATTTTC[T>A]AAATATAGAAATAAATTTTATTTACATTCTAAAATACAATATGTTTGTCAATTACTACAC-3'